The following is an entry in ClinVar:

ClinVar aggregate classification (germline): Uncertain significance (1 of 4 stars; one submission).

Conditions:
Inborn genetic diseases. Identifiers: MedGen C0950123, MeSH D030342.

Submission:

Ambry Genetics
Classification: Uncertain significance for Inborn genetic diseases. Last evaluated: 2026-09-12. Review status: criteria provided, single submitter. Criteria: Ambry Variant Classification Scheme 2023. Collection method: clinical testing. Allele origin: germline.
Comment: The p.G325A variant (also known as c.974G>C), located in coding exon 8 of the PAX5 gene, results from a G to C substitution at nucleotide position 974. The glycine at codon 325 is replaced by alanine, an amino acid with similar properties. This amino acid position is conserved. In addition, the in silico prediction for this alteration is inconclusive. Based on the available evidence, the clinical significance of this variant remains unclear.

NM_016734.3(PAX5):c.974G>C (p.Gly325Ala)

Gene: PAX5 (paired box 5; minus strand). Cytogenetic location: 9p13.2.
Variant type: single nucleotide variant.
Coding change: c.974G>C on transcript NM_016734.3 (MANE Select); coding-DNA position 974, G replaced by C.
Protein change: p.Gly325Ala; replaces glycine 325 with alanine.
Molecular consequence: missense variant. On other transcripts: non-coding transcript variant (2), intron variant (6).
Genome position (GRCh38, 1-based): chr9:36,882,042, C>G on the plus strand (G>C on the coding strand, the complement: PAX5 is on the minus strand). VCF-style: chr9-36882042-C-G. GRCh37 (hg19) VCF-style: chr9-36882039-C-G.
Other names: c.974G>C, p.Gly325Ala (NM_001280548.2); c.845G>C, p.Gly282Ala (NM_001280553.2, NM_001280554.2); c.650G>C, p.Gly217Ala (NM_001280556.2); c.586+41313G>C (NM_001280551.2); c.713-35113G>C (NM_001280555.2); c.781-41406G>C (NM_001280550.2); c.781-35113G>C (NM_001280549.2); c.910+41313G>C (NM_001280552.2); and 1 more; short protein forms G282A, G217A, G325A.
Identifiers: ClinVar variation 5026323 (VCV005026323.1).
Genomic context (GRCh38, chr9:36,882,042, plus strand): 5'-GACGCCGACAGTGCAAACTCACCAGGCACCATCCCTGTCAGCGTCGGTGCTGAGTAGCTG[C>G]CCTGTCCAGCGGGGGGGACGTGTGGAGGGTACCCGGGGAGGGTCGTGCTCGCCAAGTCAC-3'
Protein context (NP_057953.1, residues 315-335): YPPHVPPAGQ[Gly325Ala]SYSAPTLTGM